The following is an entry in ClinVar:

NM_005188.4(CBL):c.1682A>G (p.Gln561Arg)

Gene: CBL (Cbl proto-oncogene; plus strand). Cytogenetic location: 11q23.3.
Variant type: single nucleotide variant.
Coding change: c.1682A>G on transcript NM_005188.4 (MANE Select); coding-DNA position 1682, A replaced by G.
Protein change: p.Gln561Arg; replaces glutamine 561 with arginine.
Molecular consequence: missense variant.
Genome position (GRCh38, 1-based): chr11:119,285,307, A>G. VCF-style: chr11-119285307-A-G. GRCh37 (hg19) VCF-style: chr11-119156017-A-G.
Other names: short protein forms Q561R.
Identifiers: ClinVar variation 4843627 (VCV004843627.1).

ClinVar aggregate classification (germline): Uncertain significance (1 of 4 stars; one submission).

Conditions:
Cardiovascular phenotype. Identifiers: MedGen CN230736.

gnomAD v4.1: 1 of 1,614,096 alleles (0.000062%); highest among the groups gnomAD compares: Admixed American, 0.0017%; no homozygotes.

Submission:

Ambry Genetics
Classification: Uncertain significance for Cardiovascular phenotype. Last evaluated: 2026-01-12. Review status: criteria provided, single submitter. Criteria: Ambry Variant Classification Scheme 2023. Collection method: clinical testing. Allele origin: germline.
Comment: The p.Q561R variant (also known as c.1682A>G), located in coding exon 11 of the CBL gene, results from an A to G substitution at nucleotide position 1682. The glutamine at codon 561 is replaced by arginine, an amino acid with highly similar properties. This amino acid position is conserved. In addition, the in silico prediction for this alteration is inconclusive. Based on the available evidence, the clinical significance of this variant remains unclear.